The following is an entry in ClinVar:

ClinVar aggregate classification (germline): Conflicting classifications of pathogenicity. Review status: criteria provided, conflicting classifications (1 of 4 stars). 3 submissions from 3 submitters: Uncertain significance (1); Likely benign (2). Last evaluated 2025-08-31.

Conditions:
Ehlers-Danlos syndrome (EDS). Identifiers: Orphanet 98249, MedGen C0013720, MONDO:0020066.
Ehlers-Danlos syndrome, dermatosparaxis type. Also called: EDS VIIC; Dermatosparaxis; Ehlers-Danlos syndrome, type VII, autosomal recessive. Identifiers: Orphanet 1901, MedGen C2700425, MONDO:0009161, OMIM 225410.

Allele frequency attached by ClinVar (database versions not stated): gnomAD exomes 0.00001; ExAC 0.00002; gnomAD 0.00003; TOPMed 0.00003.
gnomAD v4.1: 18 of 1,613,910 alleles (0.0011%); highest among the groups gnomAD compares: Non-Finnish European, 0.0014%; no homozygotes.

Submissions (5):

Labcorp Genetics (formerly Invitae), Labcorp
Classification: Likely benign for Ehlers-Danlos syndrome, dermatosparaxis type. Last evaluated: 2025-08-31. Review status: criteria provided, single submitter. Criteria: Invitae Variant Classification Sherloc (09022015). Collection method: clinical testing. Allele origin: germline.

Genome Diagnostics Laboratory, The Hospital for Sick Children
Classification: Uncertain significance for Ehlers-Danlos syndrome. Last evaluated: 2018-11-01. Review status: criteria provided, single submitter. Criteria: ACMG Guidelines, 2015. Collection method: clinical testing. Allele origin: germline.

GeneDx
Classification: Likely benign. Last evaluated: 2017-12-08. Review status: criteria provided, single submitter. Criteria: GeneDx Variant Classification (06012015). Collection method: clinical testing. Allele origin: germline. Affected: yes.
Comment: This variant is considered likely benign or benign based on one or more of the following criteria: it is a conservative change, it occurs at a poorly conserved position in the protein, it is predicted to be benign by multiple in silico algorithms, and/or has population frequency not consistent with disease.

Dr. Peter K. Rogan Lab, Western University
No classification provided (evidence only). Condition: Acute myeloid leukemia. Review status: no classification provided. Collection method: in vitro. Allele origin: not applicable. Functional consequence: retained intron. Not counted in ClinVar's aggregate classification.

Dr. Peter K. Rogan Lab, Western University
No classification provided (evidence only). Condition: Thyroid cancer, nonmedullary, 1. Review status: no classification provided. Collection method: in vitro. Allele origin: not applicable. Functional consequence: retained intron. Not counted in ClinVar's aggregate classification.

NM_014244.5(ADAMTS2):c.1641A>G (p.Lys547=)

Gene: ADAMTS2 (ADAM metallopeptidase with thrombospondin type 1 motif 2; minus strand). Cytogenetic location: 5q35.3.
Variant type: single nucleotide variant.
Coding change: c.1641A>G on transcript NM_014244.5 (MANE Select); coding-DNA position 1641, A replaced by G.
Protein change: p.Lys547=; no amino-acid change (lysine 547 retained).
Molecular consequence: synonymous variant.
Genome position (GRCh38, 1-based): chr5:179,140,024, T>C on the plus strand (A>G on the coding strand, the complement: ADAMTS2 is on the minus strand). VCF-style: chr5-179140024-T-C. GRCh37 (hg19) VCF-style: chr5-178567025-T-C.
Identifiers: ClinVar variation 513983 (VCV000513983.10), dbSNP rs776592829, ClinGen allele CA3595816.